The following is an entry in ClinVar:

ClinVar aggregate classification (germline): Uncertain significance (1 of 4 stars; one submission).

Conditions:
Early-infantile DEE. Also called: Ohtahara syndrome; Early infantile epileptic encephalopathy; Early infantile epileptic encephalopathy with suppression bursts. Identifiers: Orphanet 1934, MedGen C0393706, MONDO:0800491.

Allele frequency attached by ClinVar (database versions not stated): gnomAD exomes below 0.00001 and 0.00001; gnomAD 0.00001; TOPMed 0.00001.
gnomAD v4.1: 5 of 1,613,850 alleles (0.00031%); highest among the groups gnomAD compares: Non-Finnish European, 0.00042%; no homozygotes.

Submission:

Labcorp Genetics (formerly Invitae), Labcorp
Classification: Uncertain significance for Early-infantile DEE. Last evaluated: 2026-01-28. Review status: criteria provided, single submitter. Criteria: Invitae Variant Classification Sherloc (09022015). Collection method: clinical testing. Allele origin: germline.
Comment: This sequence change replaces glycine, which is neutral and non-polar, with glutamic acid, which is acidic and polar, at codon 1262 of the SPTAN1 protein (p.Gly1262Glu). This variant is present in population databases (no rsID available, gnomAD 0.002%). This variant has not been reported in the literature in individuals affected with SPTAN1-related conditions. ClinVar contains an entry for this variant (Variation ID: 1025170). Invitae Evidence Modeling of protein sequence and biophysical properties (such as structural, functional, and spatial information, amino acid conservation, physicochemical variation, residue mobility, and thermodynamic stability) has been performed for this missense variant. However, the output from this modeling did not meet the statistical confidence thresholds required to predict the impact of this variant on SPTAN1 protein function. In summary, the available evidence is currently insufficient to determine the role of this variant in disease. Therefore, it has been classified as a Variant of Uncertain Significance.

NM_001130438.3(SPTAN1):c.3785G>A (p.Gly1262Glu)

Gene: SPTAN1 (spectrin alpha, non-erythrocytic 1; plus strand). Cytogenetic location: 9q34.11.
Variant type: single nucleotide variant.
Coding change: c.3785G>A on transcript NM_001130438.3 (MANE Select); coding-DNA position 3785, G replaced by A.
Protein change: p.Gly1262Glu; replaces glycine 1262 with glutamic acid.
Molecular consequence: missense variant.
Genome position (GRCh38, 1-based): chr9:128,605,099, G>A. VCF-style: chr9-128605099-G-A. GRCh37 (hg19) VCF-style: chr9-131367378-G-A.
Other names: c.3725G>A, p.Gly1242Glu (NM_001195532.2, NM_001363765.2, NM_001375314.2); c.3785G>A, p.Gly1262Glu (NM_001363759.2, NM_001375310.1, NM_001375311.2 and 2 more transcripts); c.3821G>A, p.Gly1274Glu (NM_001375312.2, NM_001375318.1); short protein forms G1242E, G1262E, G1274E.
Identifiers: ClinVar variation 1025170 (VCV001025170.9), dbSNP rs901228960, ClinGen allele CA200395067.